The following is an entry in ClinVar:

ClinVar aggregate classification (germline): Pathogenic (1 of 4 stars; one submission).

Conditions:
Early-infantile DEE. Also called: Ohtahara syndrome; Early infantile epileptic encephalopathy with suppression bursts; Early infantile epileptic encephalopathy. Identifiers: Orphanet 1934, MedGen C0393706, MONDO:0800491.

Submission:

Labcorp Genetics (formerly Invitae), Labcorp
Classification: Pathogenic for Early-infantile DEE. Last evaluated: 2022-08-09. Review status: criteria provided, single submitter. Criteria: Invitae Variant Classification Sherloc (09022015). Collection method: clinical testing. Allele origin: germline.
Comment: ClinVar contains an entry for this variant (Variation ID: 841350). For these reasons, this variant has been classified as Pathogenic. This variant has been observed in individual(s) with clinical features consistent of Dravet syndrome (Invitae). In at least one individual the variant was observed to be de novo. This variant is not present in population databases (gnomAD no frequency). This variant, c.4013_4015dup, results in the insertion of 1 amino acid(s) of the SCN1A protein (p.Asn1338_Ala1339insAsp), but otherwise preserves the integrity of the reading frame.

NM_001165963.4(SCN1A):c.4013_4015dup (p.Asn1338_Ala1339insAsp)

Genes: SCN1A (sodium voltage-gated channel alpha subunit 1; minus strand), LOC102724058 (uncharacterized LOC102724058; plus strand). Cytogenetic location: 2q24.3.
Variant type: Duplication.
Coding change: c.4013_4015dup on transcript NM_001165963.4 (MANE Select); coding-DNA positions 4013 to 4015, 3 bases duplicated (ATG; older notation c.4013_4015dupATG).
Protein change: p.Asn1338_Ala1339insAsp.
Molecular consequence: inframe insertion. On other transcripts: non-coding transcript variant (1).
Genome position (GRCh38, 1-based): chr2:166,002,741-166,002,743, CAT duplicated on the plus strand (ATG on the coding strand, the reverse complement: SCN1A is on the minus strand). VCF-style (leftmost placement, unchanged base first): chr2-166002740-G-GCAT. GRCh37 (hg19) VCF-style: chr2-166859250-G-GCAT.
Other names: c.3929_3931dup, p.Asn1310_Ala1311insAsp (NM_001165964.3, NM_001353957.2, NM_001353958.2); c.4013_4015dup, p.Asn1338_Ala1339insAsp (NM_001202435.3, NM_001353948.2); c.3980_3982dup, p.Asn1327_Ala1328insAsp (NM_001353949.2, NM_001353950.2, NM_001353951.2 and 2 more transcripts); c.3977_3979dup, p.Asn1326_Ala1327insAsp (NM_001353954.2, NM_001353955.2); c.3926_3928dup, p.Asn1309_Ala1310insAsp (NM_001353960.2); c.1571_1573dup, p.Asn524_Ala525insAsp (NM_001353961.2).
Identifiers: ClinVar variation 841350 (VCV000841350.10), dbSNP rs1691093633, ClinGen allele CA916082228.